The following is an entry in ClinVar:

NM_004208.4(AIFM1):c.253T>C (p.Tyr85His)

Genes: RAB33A (RAB33A, member RAS oncogene family; plus strand), AIFM1 (apoptosis inducing factor mitochondria associated 1; minus strand). Cytogenetic location: Xq26.1.
Variant type: single nucleotide variant.
Coding change: c.253T>C on transcript NM_004208.4 (MANE Select); coding-DNA position 253, T replaced by C.
Protein change: p.Tyr85His; replaces tyrosine 85 with histidine.
Molecular consequence: missense variant. On other transcripts: non-coding transcript variant (1).
Genome position (GRCh38, 1-based): chrX:130,149,565, A>G on the plus strand (T>C on the coding strand, the complement: AIFM1 is on the minus strand). VCF-style: chrX-130149565-A-G. GRCh37 (hg19) VCF-style: chrX-129283540-A-G.
Other names: c.253T>C, p.Tyr85His (NM_001130847.4); c.241T>C, p.Tyr81His (NM_145812.3); short protein forms Y85H, Y81H.
Identifiers: ClinVar variation 839040 (VCV000839040.16), dbSNP rs779484508, ClinGen allele CA10515481.
Genomic context (GRCh38, chrX:130,149,565, plus strand): 5'-TCAGCCCTAACCCTGAAATTCTTTCATTGTATCTTTTTTCATCCTCTTTCATAGTCTTGT[A>G]GGCCTGCGGATCCAAACATGGAGAAAGTTTATTTCACCATACAGCTAGCTCATACTGTAA-3'
Protein context (NP_004199.1, residues 75-95): LSTVGAGAYA[Tyr85His]KTMKEDEKRY

ClinVar aggregate classification (germline): Uncertain significance. Review status: criteria provided, multiple submitters, no conflicts (2 of 4 stars). 2 submissions from 2 submitters: Uncertain significance (2). Last evaluated 2025-11-26.

Conditions:
Charcot-Marie-Tooth Neuropathy X. Identifiers: MedGen CN118851.
Combined oxidative phosphorylation deficiency. Identifiers: MedGen C4540031, MONDO:0000732.
Spondyloepimetaphyseal dysplasia, Bieganski type. Also called: SEMD X-linked with mental deterioration; Leukoencephalopathy with metaphyseal chondrodysplasia; Spondyloepimetaphyseal dysplasia, X-linked, with hypomyelinating leukodystrophy. Identifiers: Orphanet 168448, Orphanet 83629, MedGen C1846148, MONDO:0010275, OMIM 300232.
Charcot-Marie-Tooth disease X-linked recessive 4 (CMTX4). Also called: Cowchock syndrome; CHARCOT-MARIE-TOOTH DISEASE, X-LINKED RECESSIVE, 4, WITH OR WITHOUT CEREBELLAR ATAXIA; CHARCOT-MARIE-TOOTH DISEASE WITH DEAFNESS AND MENTAL RETARDATION. Identifiers: Orphanet 101078, MedGen C0795910, MONDO:0010689, OMIM 310490.
Deafness, X-linked 5 (DFNX5). Also called: DEAFNESS, X-LINKED 5, WITH PERIPHERAL NEUROPATHY; AUDITORY NEUROPATHY, X-LINKED, 1, WITH PERIPHERAL SENSORY NEUROPATHY. Identifiers: Orphanet 139583, MedGen C1845095, OMIM 300614.

Allele frequency attached by ClinVar (database versions not stated): gnomAD exomes 0.00001; ExAC 0.00002.
gnomAD v4.1: 12 of 1,186,074 alleles (0.001%); highest among the groups gnomAD compares: Non-Finnish European, 0.0014%; no homozygotes.

Submissions (2):

Labcorp Genetics (formerly Invitae), Labcorp
Classification: Uncertain significance for Charcot-Marie-Tooth Neuropathy X; Combined oxidative phosphorylation deficiency. Last evaluated: 2025-11-26. Review status: criteria provided, single submitter. Criteria: Invitae Variant Classification Sherloc (09022015). Collection method: clinical testing. Allele origin: germline.
Comment: This sequence change replaces tyrosine, which is neutral and polar, with histidine, which is basic and polar, at codon 85 of the AIFM1 protein (p.Tyr85His). This variant is present in population databases (rs779484508, gnomAD 0.001%). This variant has not been reported in the literature in individuals affected with AIFM1-related conditions. ClinVar contains an entry for this variant (Variation ID: 839040). Invitae Evidence Modeling of protein sequence and biophysical properties (such as structural, functional, and spatial information, amino acid conservation, physicochemical variation, residue mobility, and thermodynamic stability) indicates that this missense variant is not expected to disrupt AIFM1 protein function with a negative predictive value of 80%. In summary, the available evidence is currently insufficient to determine the role of this variant in disease. Therefore, it has been classified as a Variant of Uncertain Significance.

CeGaT Center for Human Genetics Tuebingen
Classification: Uncertain significance. Last evaluated: 2025-08-01. Review status: criteria provided, single submitter. Criteria: CeGaT Center For Human Genetics Tuebingen Variant Classification Criteria Version 2. Collection method: clinical testing. Allele origin: germline. Affected: yes. Observed: 1 variant allele.
Comment: AIFM1: PM2